The following is an entry in ClinVar:

ClinVar aggregate classification (germline): Uncertain significance (1 of 4 stars; one submission).

Conditions:
Leber congenital amaurosis 12 (LCA12). Identifiers: Orphanet 65, MedGen C1857743, MONDO:0012525, OMIM 610612.

Allele frequency attached by ClinVar (database versions not stated): gnomAD 0.00001; TOPMed 0.00001; ExAC 0.00002; gnomAD exomes 0.00003.
gnomAD v4.1: 13 of 1,607,498 alleles (0.00081%); highest among the groups gnomAD compares: African/African-American, 0.0013%; no homozygotes.

Submission:

Labcorp Genetics (formerly Invitae), Labcorp
Classification: Uncertain significance for Leber congenital amaurosis 12. Last evaluated: 2022-11-21. Review status: criteria provided, single submitter. Criteria: Invitae Variant Classification Sherloc (09022015). Collection method: clinical testing. Allele origin: germline.
Comment: This variant has not been reported in the literature in individuals affected with RD3-related conditions. This variant is present in population databases (rs764736043, gnomAD 0.005%). This sequence change replaces glutamine, which is neutral and polar, with leucine, which is neutral and non-polar, at codon 123 of the RD3 protein (p.Gln123Leu). ClinVar contains an entry for this variant (Variation ID: 1002125). In summary, the available evidence is currently insufficient to determine the role of this variant in disease. Therefore, it has been classified as a Variant of Uncertain Significance. Algorithms developed to predict the effect of sequence changes on RNA splicing suggest that this variant may disrupt the consensus splice site. Algorithms developed to predict the effect of missense changes on protein structure and function (SIFT, PolyPhen-2, Align-GVGD) all suggest that this variant is likely to be tolerated.

NM_001164688.2(RD3):c.368A>T (p.Gln123Leu)

Gene: RD3 (RD3 regulator of GUCY2D; minus strand). Cytogenetic location: 1q32.3.
Variant type: single nucleotide variant.
Coding change: c.368A>T on transcript NM_001164688.2 (MANE Select); coding-DNA position 368, A replaced by T.
Protein change: p.Gln123Leu; replaces glutamine 123 with leucine.
Molecular consequence: missense variant.
Genome position (GRCh38, 1-based): chr1:211,479,256, T>A on the plus strand (A>T on the coding strand, the complement: RD3 is on the minus strand). VCF-style: chr1-211479256-T-A. GRCh37 (hg19) VCF-style: chr1-211652598-T-A.
Other names: c.368A>T, p.Gln123Leu (NM_183059.3); short protein forms Q123L.
Identifiers: ClinVar variation 1002125 (VCV001002125.6), dbSNP rs764736043, ClinGen allele CA1381076.